The following is an entry in ClinVar:

ClinVar aggregate classification (germline): Uncertain significance (1 of 4 stars; one submission).

Conditions:
Cardiovascular phenotype. Identifiers: MedGen CN230736.

Submission:

Ambry Genetics
Classification: Uncertain significance for Cardiovascular phenotype. Last evaluated: 2026-01-21. Review status: criteria provided, single submitter. Criteria: Ambry Variant Classification Scheme 2023. Collection method: clinical testing. Allele origin: germline.
Comment: The p.K567R variant (also known as c.1700A>G), located in coding exon 20 of the CACNA2D1 gene, results from an A to G substitution at nucleotide position 1700. The lysine at codon 567 is replaced by arginine, an amino acid with highly similar properties. This amino acid position is conserved. In addition, this alteration is predicted to be tolerated by in silico analysis. Based on the available evidence, the clinical significance of this variant remains unclear.

NM_000722.4(CACNA2D1):c.1700A>G (p.Lys567Arg)

Gene: CACNA2D1 (calcium voltage-gated channel auxiliary subunit alpha2delta 1; minus strand). Cytogenetic location: 7q21.11.
Variant type: single nucleotide variant.
Coding change: c.1700A>G on transcript NM_000722.4 (MANE Select); coding-DNA position 1700, A replaced by G.
Protein change: p.Lys567Arg; replaces lysine 567 with arginine.
Molecular consequence: missense variant.
Genome position (GRCh38, 1-based): chr7:81,994,902, T>C on the plus strand (A>G on the coding strand, the complement: CACNA2D1 is on the minus strand). VCF-style: chr7-81994902-T-C. GRCh37 (hg19) VCF-style: chr7-81624218-T-C.
Other names: c.1757A>G, p.Lys586Arg (NM_001366867.1); short protein forms K567R, K586R.
Identifiers: ClinVar variation 4824204 (VCV004824204.1).
Genomic context (GRCh38, chr7:81,994,902, plus strand): 5'-AAGAATAAGCTAGAATCAATTCTTACCTCATCTTGAGATTTAACCAGAGTTCTGAATGTT[T>C]TTTCTCCACTTTCCCCATCAATCATCTTATTTCGAATCTAAGAGTAAATGAAACAACTAC-3'
Protein context (NP_000713.2, residues 557-577): NKMIDGESGE[Lys567Arg]TFRTLVKSQD